The following is an entry in ClinVar:

NM_174916.3(UBR1):c.1333del (p.Leu445fs)

Gene: UBR1 (ubiquitin protein ligase E3 component n-recognin 1; minus strand). Cytogenetic location: 15q15.2.
Variant type: Deletion.
Coding change: c.1333del on transcript NM_174916.3 (MANE Select); coding-DNA position 1333, one base deleted (C; older notation c.1333delC).
Protein change: p.Leu445fs; shifts the reading frame from leucine 445.
Molecular consequence: frameshift variant.
Genome position (GRCh38, 1-based): chr15:43,054,848, G deleted on the plus strand (C on the coding strand, the reverse complement: UBR1 is on the minus strand). VCF-style (leftmost placement, unchanged base first): chr15-43054847-AG-A. GRCh37 (hg19) VCF-style: chr15-43347045-AG-A.
Other names: short protein forms L445fs.
Identifiers: ClinVar variation 2759332 (VCV002759332.3), dbSNP rs2543005702, ClinGen allele CA2697554381.

ClinVar aggregate classification (germline): Pathogenic (1 of 4 stars; one submission).

Submission:

Labcorp Genetics (formerly Invitae), Labcorp
Classification: Pathogenic. Last evaluated: 2023-09-09. Review status: criteria provided, single submitter. Criteria: Invitae Variant Classification Sherloc (09022015). Collection method: clinical testing. Allele origin: germline.
Comment: For these reasons, this variant has been classified as Pathogenic. This variant has not been reported in the literature in individuals affected with UBR1-related conditions. This variant is not present in population databases (gnomAD no frequency). This sequence change creates a premature translational stop signal (p.Leu445Cysfs*2) in the UBR1 gene. It is expected to result in an absent or disrupted protein product. Loss-of-function variants in UBR1 are known to be pathogenic (PMID: 24599544).

Literature cited by the submitters: PubMed 24599544.